The following is an entry in ClinVar:

ClinVar aggregate classification (germline): Uncertain significance (1 of 4 stars; one submission).

Conditions:
Candidiasis, familial, 6 (CANDF6). Also called: Candidiasis, familial, 6, autosomal dominant. Identifiers: Orphanet 1334, MedGen C3151405, MONDO:0013503, OMIM 613956.

Allele frequency attached by ClinVar (database versions not stated): ExAC 0.00003.
gnomAD v4.1: 25 of 1,614,042 alleles (0.0015%); highest among the groups gnomAD compares: East Asian, 0.02%; no homozygotes.

Submission:

Labcorp Genetics (formerly Invitae), Labcorp
Classification: Uncertain significance for Candidiasis, familial, 6. Last evaluated: 2025-02-15. Review status: criteria provided, single submitter. Criteria: Invitae Variant Classification Sherloc (09022015). Collection method: clinical testing. Allele origin: germline.
Comment: This sequence change replaces arginine, which is basic and polar, with cysteine, which is neutral and slightly polar, at codon 67 of the IL17F protein (p.Arg67Cys). This variant is present in population databases (rs754476266, gnomAD 0.02%). This variant has not been reported in the literature in individuals affected with IL17F-related conditions. ClinVar contains an entry for this variant (Variation ID: 2071898). An algorithm developed to predict the effect of missense changes on protein structure and function (PolyPhen-2) suggests that this variant is likely to be tolerated. In summary, the available evidence is currently insufficient to determine the role of this variant in disease. Therefore, it has been classified as a Variant of Uncertain Significance.

NM_052872.4(IL17F):c.199C>T (p.Arg67Cys)

Gene: IL17F (interleukin 17F; minus strand). Cytogenetic location: 6p12.2.
Variant type: single nucleotide variant.
Coding change: c.199C>T on transcript NM_052872.4 (MANE Select); coding-DNA position 199, C replaced by T.
Protein change: p.Arg67Cys; replaces arginine 67 with cysteine.
Molecular consequence: missense variant.
Genome position (GRCh38, 1-based): chr6:52,238,785, G>A on the plus strand (C>T on the coding strand, the complement: IL17F is on the minus strand). VCF-style: chr6-52238785-G-A. GRCh37 (hg19) VCF-style: chr6-52103583-G-A.
Other names: short protein forms R67C.
Identifiers: ClinVar variation 2071898 (VCV002071898.2), dbSNP rs754476266, ClinGen allele CA3854428.